The following is an entry in ClinVar:

NM_002661.5(PLCG2):c.771T>C (p.His257=)

Gene: PLCG2 (phospholipase C gamma 2; plus strand). Cytogenetic location: 16q23.3.
Variant type: single nucleotide variant.
Coding change: c.771T>C on transcript NM_002661.5 (MANE Select); coding-DNA position 771, T replaced by C.
Protein change: p.His257=; no amino-acid change (histidine 257 retained).
Molecular consequence: synonymous variant.
Genome position (GRCh38, 1-based): chr16:81,889,177, T>C. VCF-style: chr16-81889177-T-C. GRCh37 (hg19) VCF-style: chr16-81922782-T-C.
Identifiers: ClinVar variation 540125 (VCV000540125.50), dbSNP rs369555285, ClinGen allele CA8193453.

ClinVar aggregate classification (germline): Benign/Likely benign. Review status: criteria provided, multiple submitters, no conflicts (2 of 4 stars). 7 submissions from 7 submitters: Benign (1); Likely benign (3). 3 of the submissions do not count toward it. Last evaluated 2026-01-26.

Conditions:
PLCG2-related disorder. Also called: PLCG2-related condition.
Familial cold autoinflammatory syndrome 3 (FCAS3). Also called: FAMILIAL ATYPICAL COLD URTICARIA; ANTIBODY DEFICIENCY AND IMMUNE DYSREGULATION, PLCG2-ASSOCIATED. Identifiers: Orphanet 300359, MedGen C3280914, MONDO:0013766, OMIM 614468.

Allele frequency attached by ClinVar (database versions not stated): 1000 Genomes Project 30x 0.00031; 1000 Genomes Project 0.00040; ESP Exome Variant Server 0.00049; ExAC 0.00076; gnomAD 0.00087 and 0.00091; TOPMed 0.00155.
gnomAD v4.1: 636 of 1,587,818 alleles (0.04%); highest among the groups gnomAD compares: Admixed American, 0.34%; 3 homozygotes.

Submissions (7):

Labcorp Genetics (formerly Invitae), Labcorp
Classification: Benign for Familial cold autoinflammatory syndrome 3. Last evaluated: 2026-01-26. Review status: criteria provided, single submitter. Criteria: Invitae Variant Classification Sherloc (09022015). Collection method: clinical testing. Allele origin: germline.

CeGaT Center for Human Genetics Tuebingen
Classification: Likely benign. Last evaluated: 2024-11-01. Review status: criteria provided, single submitter. Criteria: CeGaT Center For Human Genetics Tuebingen Variant Classification Criteria Version 2. Collection method: clinical testing. Allele origin: germline. Affected: yes. Observed: 6 variant alleles.
Comment: PLCG2: BP4, BP7

Blueprint Genetics
Classification: Likely benign. Last evaluated: 2024-09-30. Review status: criteria provided, single submitter. Criteria: ACMG Guidelines, 2015. Collection method: clinical testing. Allele origin: germline.

ARUP Laboratories, Molecular Genetics and Genomics, ARUP Laboratories
Classification: Likely benign. Last evaluated: 2019-11-15. Review status: criteria provided, single submitter. Criteria: ARUP Molecular Germline Variant Investigation Process. Collection method: clinical testing. Allele origin: germline.

PreventionGenetics, part of Exact Sciences
Classification: Likely benign for PLCG2-related condition. Last evaluated: 2024-06-12. Review status: no assertion criteria provided. Collection method: clinical testing. Allele origin: germline. Not counted in ClinVar's aggregate classification.
Comment: This variant is classified as likely benign based on ACMG/AMP sequence variant interpretation guidelines (Richards et al. 2015 PMID: 25741868, with internal and published modifications).

Clinical Genetics DNA and cytogenetics Diagnostics Lab, Erasmus MC, Erasmus Medical Center
Classification: Likely benign. Review status: no assertion criteria provided. Collection method: clinical testing. Allele origin: germline. Affected: yes. Study: VKGL Data-share Consensus. Not counted in ClinVar's aggregate classification.

Genome Diagnostics Laboratory, University Medical Center Utrecht
Classification: Likely benign. Review status: no assertion criteria provided. Collection method: clinical testing. Allele origin: germline. Affected: yes. Study: VKGL Data-share Consensus. Not counted in ClinVar's aggregate classification.